The following is an entry in ClinVar:

ClinVar aggregate classification (germline): Conflicting classifications of pathogenicity. Review status: criteria provided, conflicting classifications (1 of 4 stars). 2 submissions from 2 submitters: Uncertain significance (1); Likely benign (1). Last evaluated 2026-03-04.

Conditions:
PCSK5-related disorder. Also called: PCSK5-related condition.

gnomAD v4.1: 1,389 of 1,613,744 alleles (0.086%); highest among the groups gnomAD compares: African/African-American, 0.67%; 9 homozygotes.

Submissions (2):

PreventionGenetics, part of Exact Sciences
Classification: Likely benign for PCSK5-related condition. Last evaluated: 2026-03-04. Review status: criteria provided, single submitter. Criteria: ACMG Guidelines, 2015. Collection method: clinical testing. Allele origin: germline.
Comment: This variant is classified as likely benign based on ACMG/AMP sequence variant interpretation guidelines (Richards et al. 2015 PMID: 25741868, with internal and published modifications).

Ambry Genetics
Classification: Uncertain significance. Last evaluated: 2025-07-31. Review status: criteria provided, single submitter. Criteria: Ambry Variant Classification Scheme 2023. Collection method: clinical testing. Allele origin: germline.

NM_001372043.1(PCSK5):c.1693G>A (p.Ala565Thr)

Gene: PCSK5 (proprotein convertase subtilisin/kexin type 5; plus strand). Cytogenetic location: 9q21.13.
Variant type: single nucleotide variant.
Coding change: c.1693G>A on transcript NM_001372043.1 (MANE Select); coding-DNA position 1693, G replaced by A.
Protein change: p.Ala565Thr; replaces alanine 565 with threonine.
Molecular consequence: missense variant. On other transcripts: non-coding transcript variant (1).
Genome position (GRCh38, 1-based): chr9:76,169,777, G>A. VCF-style: chr9-76169777-G-A. GRCh37 (hg19) VCF-style: chr9-78784693-G-A.
Other names: c.1693G>A, p.Ala565Thr (NM_001190482.2, NM_006200.6); short protein forms A565T.
Identifiers: ClinVar variation 4133460 (VCV004133460.2).